The following is an entry in ClinVar:

NM_003060.4(SLC22A5):c.1310T>C (p.Phe437Ser)

Gene: SLC22A5 (solute carrier family 22 member 5; plus strand). Cytogenetic location: 5q31.1.
Variant type: single nucleotide variant.
Coding change: c.1310T>C on transcript NM_003060.4 (MANE Select); coding-DNA position 1310, T replaced by C.
Protein change: p.Phe437Ser; replaces phenylalanine 437 with serine.
Molecular consequence: missense variant.
Genome position (GRCh38, 1-based): chr5:132,392,475, T>C. VCF-style: chr5-132392475-T-C. GRCh37 (hg19) VCF-style: chr5-131728167-T-C.
Other names: p.Phe437Ser; c.1382T>C, p.Phe461Ser (NM_001308122.2); short protein forms F461S, F437S.
Identifiers: ClinVar variation 1414576 (VCV001414576.5), dbSNP rs1335183542, ClinGen allele CA360808495.
Genomic context (GRCh38, chr5:132,392,475, plus strand): 5'-TTTCCTTTGCTTCTCCAGACTTGTATTATTTGGCTACAGTCCTGGTGATGGTGGGCAAGT[T>C]TGGAGTCACGGCTGCCTTTTCCATGGTCTACGTGTACACAGCCGAGCTGTATCCCACAGT-3'
Protein context (NP_003051.1, residues 427-447): LATVLVMVGK[Phe437Ser]GVTAAFSMVY

ClinVar aggregate classification (germline): Uncertain significance. Review status: criteria provided, multiple submitters, no conflicts (2 of 4 stars). 2 submissions from 2 submitters: Uncertain significance (2). Last evaluated 2022-10-03.

Conditions:
Renal carnitine transport defect (CDSP). Also called: Systemic primary carnitine deficiency; Primary carnitine deficiency; CARNITINE DEFICIENCY, SYSTEMIC, DUE TO DEFECT IN RENAL REABSORPTION OF CARNITINE; CARNITINE TRANSPORTER, PLASMA-MEMBRANE, DEFICIENCY OF; CARNITINE UPTAKE DEFECT; Carnitine transporter deficiency. Identifiers: Orphanet 158, MedGen C0342788, MONDO:0008919, OMIM 212140.

Allele frequency attached by ClinVar (database versions not stated): gnomAD exomes below 0.00001 and 0.00001.

Submissions (2):

Giacomini Lab, University of California, San Francisco
Classification: Uncertain significance for Renal carnitine transport defect. Last evaluated: 2022-10-03. Review status: criteria provided, single submitter. Criteria: ACMG Guidelines, 2015. Collection method: research, in vitro. Allele origin: germline, not applicable.

Labcorp Genetics (formerly Invitae), Labcorp
Classification: Uncertain significance for Renal carnitine transport defect. Last evaluated: 2021-10-19. Review status: criteria provided, single submitter. Criteria: Invitae Variant Classification Sherloc (09022015). Collection method: clinical testing. Allele origin: germline.
Comment: This sequence change replaces phenylalanine with serine at codon 437 of the SLC22A5 protein (p.Phe437Ser). The phenylalanine residue is moderately conserved and there is a large physicochemical difference between phenylalanine and serine. This variant is not present in population databases (ExAC no frequency). This variant has not been reported in the literature in individuals affected with SLC22A5-related conditions. Advanced modeling of protein sequence and biophysical properties (such as structural, functional, and spatial information, amino acid conservation, physicochemical variation, residue mobility, and thermodynamic stability) performed at Invitae indicates that this missense variant is expected to disrupt SLC22A5 protein function. In summary, the available evidence is currently insufficient to determine the role of this variant in disease. Therefore, it has been classified as a Variant of Uncertain Significance.